The following is an entry in ClinVar:

ClinVar aggregate classification (germline): Uncertain significance. Review status: criteria provided, multiple submitters, no conflicts (2 of 4 stars). 3 submissions from 3 submitters: Uncertain significance (3). Last evaluated 2026-04-07.

Conditions:
Autosomal recessive limb-girdle muscular dystrophy type 2J (LGMDR10). Also called: Limb-girdle muscular dystrophy, type 2J; MUSCULAR DYSTROPHY, LIMB-GIRDLE, AUTOSOMAL RECESSIVE 10. Identifiers: Orphanet 140922, MedGen C1837342, MONDO:0012127, OMIM 608807.
Dilated cardiomyopathy 1G (CMD1G). Identifiers: Orphanet 154, MedGen C1858763, MONDO:0011400, OMIM 604145.
TTN-related disorder. Also called: TTN-related condition; TTN-related disease; TTN-related disorders.

Allele frequency attached by ClinVar (database versions not stated): gnomAD exomes below 0.00001 and 0.00001; gnomAD 0.00001; TOPMed 0.00001; ExAC 0.00002.
gnomAD v4.1: 7 of 1,613,642 alleles (0.00043%); highest among the groups gnomAD compares: South Asian, 0.0022%; no homozygotes.

Submissions (3):

PreventionGenetics, part of Exact Sciences
Classification: Uncertain significance for TTN-related condition. Last evaluated: 2026-04-07. Review status: criteria provided, single submitter. Criteria: ACMG Guidelines, 2015. Collection method: clinical testing. Allele origin: germline.
Comment: The TTN c.101908G>A variant is predicted to result in the amino acid substitution p.Asp33970Asn. To our knowledge, this variant has not been reported in the literature. This variant is reported in 0.0033% of alleles in individuals of South Asian descent in gnomAD. At this time, the clinical significance of this variant is uncertain due to the absence of conclusive functional and genetic evidence.

Labcorp Genetics (formerly Invitae), Labcorp
Classification: Uncertain significance for Dilated cardiomyopathy 1G; Autosomal recessive limb-girdle muscular dystrophy type 2J. Last evaluated: 2024-05-20. Review status: criteria provided, single submitter. Criteria: Invitae Variant Classification Sherloc (09022015). Collection method: clinical testing. Allele origin: germline.
Comment: This sequence change replaces aspartic acid, which is acidic and polar, with asparagine, which is neutral and polar, at codon 33970 of the TTN protein (p.Asp33970Asn). This variant is present in population databases (rs749832500, gnomAD 0.003%). This variant has not been reported in the literature in individuals affected with TTN-related conditions. ClinVar contains an entry for this variant (Variation ID: 517350). Experimental studies and prediction algorithms are not available or were not evaluated, and the functional significance of this variant is currently unknown. This variant is located in the M band of TTN (PMID: 25589632). Non-truncating variants in this region may be relevant for neuromuscular disorders, but have not been definitively shown to cause cardiomyopathy (PMID: 23975875). In summary, the available evidence is currently insufficient to determine the role of this variant in disease. Therefore, it has been classified as a Variant of Uncertain Significance.

Laboratory for Molecular Medicine, Mass General Brigham Personalized Medicine
Classification: Uncertain significance. Last evaluated: 2017-03-30. Review status: criteria provided, single submitter. Criteria: LMM Criteria. Collection method: clinical testing. Allele origin: germline. Observed: 1 variant allele.
Comment: The p.Asp31402Asn variant in TTN has not been previously reported in individuals with cardiomyopathy, but has been identified in 1/16484 South Asian and 1/11536 Latino chromosomes by the Exome Aggregation Consortium (ExAC; dbSNP rs749832500). Computational prediction tools and conservati on analysis do not provide strong support for or against an impact to the protei n. In summary, the clinical significance of the p.Asp31402Asn variant is uncerta in.

Literature cited by the submitters: PubMed 25589632 (cited by Labcorp Genetics (formerly Invitae), Labcorp); PubMed 23975875 (cited by Labcorp Genetics (formerly Invitae), Labcorp).

NM_001267550.2(TTN):c.101908G>A (p.Asp33970Asn)

Genes: TTN (titin; minus strand), TTN-AS1 (TTN antisense RNA 1; plus strand). Cytogenetic location: 2q31.2.
Variant type: single nucleotide variant.
Coding change: c.101908G>A on transcript NM_001267550.2 (MANE Select); coding-DNA position 101908, G replaced by A.
Protein change: p.Asp33970Asn; replaces aspartic acid 33970 with asparagine.
Molecular consequence: missense variant.
Genome position (GRCh38, 1-based): chr2:178,534,707, C>T on the plus strand (G>A on the coding strand, the complement: TTN is on the minus strand). VCF-style: chr2-178534707-C-T. GRCh37 (hg19) VCF-style: chr2-179399434-C-T.
Other names: c.96985G>A, p.Asp32329Asn (NM_001256850.1); c.74713G>A, p.Asp24905Asn (NM_003319.4); c.75088G>A, p.Asp25030Asn (NM_133432.3); c.75289G>A, p.Asp25097Asn (NM_133437.4); c.94204G>A, p.Asp31402Asn (NM_133378.4); short protein forms D31402N, D33970N, D24905N, D25097N, D25030N, D32329N.
Identifiers: ClinVar variation 517350 (VCV000517350.11), dbSNP rs749832500, ClinGen allele CA1985824.
Genomic context (GRCh38, chr2:178,534,707, plus strand): 5'-CATGCTGGTGGACTTCAGGTGCATAGTATTCTGGGGCAGTGAATAGAAGCCTGAAGTTGT[C>T]CCCTGGTTTCAGCTGACGGGCTTGACCAAATTCTATGATTTTAATGGTAGAGCTTCTTCT-3'
Protein context (NP_001254479.2, residues 33960-33980): FGQARQLKPG[Asp33970Asn]NFRLLFTAPE